The following is an entry in ClinVar:

NM_001845.6(COL4A1):c.2744G>A (p.Gly915Glu)

Gene: COL4A1 (collagen type IV alpha 1 chain; minus strand). Cytogenetic location: 13q34.
Variant type: single nucleotide variant.
Coding change: c.2744G>A on transcript NM_001845.6 (MANE Select); coding-DNA position 2744, G replaced by A.
Protein change: p.Gly915Glu; replaces glycine 915 with glutamic acid.
Molecular consequence: missense variant.
Genome position (GRCh38, 1-based): chr13:110,177,010, C>T on the plus strand (G>A on the coding strand, the complement: COL4A1 is on the minus strand). VCF-style: chr13-110177010-C-T. GRCh37 (hg19) VCF-style: chr13-110829357-C-T.
Other names: short protein forms G915E.
Identifiers: ClinVar variation 4529674 (VCV004529674.1).
Genomic context (GRCh38, chr13:110,177,010, plus strand): 5'-GGCTTGCCAGGGAGACCGACATCCCCCTTATCACCTTTCAAGCCAGGGTCTCCCCTGGGT[C>T]CTGAGGAGCCCGGAAAGCCATGGTCCCCTGCAGAGGAAAGAGAAGGCACTGGTGAGCCTG-3'
Protein context (NP_001836.3, residues 905-925): KGDHGFPGSS[Gly915Glu]PRGDPGLKGD

ClinVar aggregate classification (germline): Pathogenic (1 of 4 stars; one submission).

Submission:

GeneDx
Classification: Pathogenic. Last evaluated: 2025-05-14. Review status: criteria provided, single submitter. Criteria: GeneDx Variant Classification Process June 2021. Collection method: clinical testing. Allele origin: germline. Affected: yes.
Comment: Identified in a patient with COL4A1-related features in published literature; but it is unknown whether this individual was screened for variants in other potentially causative genes (PMID: 30413629); Affects a glycine residue in a Gly-X-Y motif in the triple helical region of the COL4A1 gene, where the majority of pathogenic missense variants occur, and is predicted to disrupt normal protein folding and function (HGMD; PMID: 22522439, 23225343); Not observed at significant frequency in large population cohorts (gnomAD); In silico analysis supports that this missense variant has a deleterious effect on protein structure/function; This variant is associated with the following publications: (PMID: 30413629, 22522439, 23225343)